The following is an entry in ClinVar:

ClinVar aggregate classification (germline): Uncertain significance. Review status: criteria provided, multiple submitters, no conflicts (2 of 4 stars). 2 submissions from 2 submitters: Uncertain significance (2). Last evaluated 2022-12-17.

Conditions:
Acute myeloid leukemia (AML). Also called: Leukemia, acute myeloid, somatic; Leukemia, acute myelogenous, somatic; Acute myeloid leukemia, adult; AML adult; Acute non-lymphocytic leukemia; Acute granulocytic leukemia. Identifiers: Orphanet 519, MedGen C0023467, MeSH D015470, MONDO:0018874, OMIM 601626, HP:0004808. Disease mechanism: Constitutively activated FLT3.

Submissions (2):

Labcorp Genetics (formerly Invitae), Labcorp
Classification: Uncertain significance for Acute myeloid leukemia. Last evaluated: 2022-12-17. Review status: criteria provided, single submitter. Criteria: Invitae Variant Classification Sherloc (09022015). Collection method: clinical testing. Allele origin: germline.
Comment: This sequence change replaces proline, which is neutral and non-polar, with glutamine, which is neutral and polar, at codon 23 of the CEBPA protein (p.Pro23Gln). This variant is not present in population databases (gnomAD no frequency). This variant has not been reported in the literature in individuals affected with CEBPA-related conditions. ClinVar contains an entry for this variant (Variation ID: 568314). Algorithms developed to predict the effect of missense changes on protein structure and function output the following: SIFT: "Tolerated"; PolyPhen-2: "Benign"; Align-GVGD: "Class C0". The glutamine amino acid residue is found in multiple mammalian species, which suggests that this missense change does not adversely affect protein function. In summary, the available evidence is currently insufficient to determine the role of this variant in disease. Therefore, it has been classified as a Variant of Uncertain Significance.

GeneDx
Classification: Uncertain significance. Last evaluated: 2022-03-10. Review status: criteria provided, single submitter. Criteria: GeneDx Variant Classification Process June 2021. Collection method: clinical testing. Allele origin: germline. Affected: yes.
Comment: Not observed at significant frequency in large population cohorts (gnomAD); In silico analysis supports that this missense variant does not alter protein structure/function; Has not been previously published as pathogenic or benign to our knowledge

NM_004364.5(CEBPA):c.68C>A (p.Pro23Gln)

Gene: CEBPA (CCAAT enhancer binding protein alpha; minus strand). Cytogenetic location: 19q13.11.
Variant type: single nucleotide variant.
Coding change: c.68C>A on transcript NM_004364.5 (MANE Select); coding-DNA position 68, C replaced by A.
Protein change: p.Pro23Gln; replaces proline 23 with glutamine.
Molecular consequence: missense variant. On other transcripts: 5 prime UTR variant (1).
Genome position (GRCh38, 1-based): chr19:33,302,347, G>T on the plus strand (C>A on the coding strand, the complement: CEBPA is on the minus strand). VCF-style: chr19-33302347-G-T. GRCh37 (hg19) VCF-style: chr19-33793253-G-T.
Other names: c.-290C>A (NM_001285829.2); c.173C>A, p.Pro58Gln (NM_001287424.2); c.26C>A, p.Pro9Gln (NM_001287435.2); short protein forms P23Q, P58Q, P9Q.
Identifiers: ClinVar variation 568314 (VCV000568314.13), dbSNP rs1308550194, ClinGen allele CA405275744.